The following is an entry in ClinVar:

ClinVar aggregate classification (germline): Benign (1 of 4 stars; one submission).

gnomAD v4.1: 1,957 of 1,614,154 alleles (0.12%); highest among the groups gnomAD compares: African/African-American, 2.2%; 22 homozygotes.

Submission:

CeGaT Center for Human Genetics Tuebingen
Classification: Benign. Last evaluated: 2024-08-01. Review status: criteria provided, single submitter. Criteria: CeGaT Center For Human Genetics Tuebingen Variant Classification Criteria Version 2. Collection method: clinical testing. Allele origin: germline. Affected: yes. Observed: 1 variant allele.
Comment: TEKT3: BS1, BS2

NM_031898.3(TEKT3):c.491T>A (p.Leu164Ter)

Gene: TEKT3 (tektin 3; minus strand). Cytogenetic location: 17p12.
Variant type: single nucleotide variant.
Coding change: c.491T>A on transcript NM_031898.3 (MANE Select); coding-DNA position 491, T replaced by A.
Protein change: p.Leu164Ter; replaces leucine 164 with a stop codon.
Molecular consequence: nonsense.
Genome position (GRCh38, 1-based): chr17:15,331,095, A>T on the plus strand (T>A on the coding strand, the complement: TEKT3 is on the minus strand). VCF-style: chr17-15331095-A-T. GRCh37 (hg19) VCF-style: chr17-15234412-A-T.
Other names: short protein forms L164*.
Identifiers: ClinVar variation 3341636 (VCV003341636.16).